The following is an entry in ClinVar:

NM_020297.4(ABCC9):c.1911+2T>C

Gene: ABCC9 (ATP binding cassette subfamily C member 9; minus strand). Cytogenetic location: 12p12.1.
Variant type: single nucleotide variant.
Coding change: c.1911+2T>C on transcript NM_020297.4 (MANE Select); the canonical splice donor site of the intron after coding-DNA position 1911, T replaced by C.
Molecular consequence: splice donor variant.
Genome position (GRCh38, 1-based): chr12:21,887,824, A>G on the plus strand (T>C on the coding strand, the complement: ABCC9 is on the minus strand). VCF-style: chr12-21887824-A-G. GRCh37 (hg19) VCF-style: chr12-22040758-A-G.
Other names: c.1047+2T>C (NM_001377274.1); c.1911+2T>C (NM_005691.4, NM_001377273.1).
Identifiers: ClinVar variation 429779 (VCV000429779.3), dbSNP rs1131691589, ClinGen allele CA384135745.

ClinVar aggregate classification (germline): Uncertain significance (1 of 4 stars; one submission).

Submission:

GeneDx
Classification: Uncertain significance. Last evaluated: 2019-11-12. Review status: criteria provided, single submitter. Criteria: GeneDx Variant Classification Process June 2021. Collection method: clinical testing. Allele origin: germline. Affected: yes.
Comment: Has not been previously published as pathogenic or benign to our knowledge; Canonical splice site variant in a gene for which loss-of-function is not a known mechanism of disease; Not observed in large population cohorts (Lek et al., 2016)